The following is an entry in ClinVar:

NM_001369268.1(ACAN):c.470A>G (p.Tyr157Cys)

Gene: ACAN (aggrecan; plus strand). Cytogenetic location: 15q26.1.
Variant type: single nucleotide variant.
Coding change: c.470A>G on transcript NM_001369268.1 (MANE Select); coding-DNA position 470, A replaced by G.
Protein change: p.Tyr157Cys; replaces tyrosine 157 with cysteine.
Molecular consequence: missense variant.
Genome position (GRCh38, 1-based): chr15:88,840,027, A>G. VCF-style: chr15-88840027-A-G. GRCh37 (hg19) VCF-style: chr15-89383258-A-G.
Other names: c.470A>G, p.Tyr157Cys (NM_001135.4, NM_001411096.1, NM_001411097.1 and 1 more transcripts); short protein forms Y157C.
Identifiers: ClinVar variation 3656308 (VCV003656308.2).

ClinVar aggregate classification (germline): Uncertain significance (1 of 4 stars; one submission).

Submission:

Labcorp Genetics (formerly Invitae), Labcorp
Classification: Uncertain significance. Last evaluated: 2024-06-11. Review status: criteria provided, single submitter. Criteria: Invitae Variant Classification Sherloc (09022015). Collection method: clinical testing. Allele origin: germline.
Comment: This sequence change replaces tyrosine, which is neutral and polar, with cysteine, which is neutral and slightly polar, at codon 157 of the ACAN protein (p.Tyr157Cys). This variant is not present in population databases (gnomAD no frequency). This variant has not been reported in the literature in individuals affected with ACAN-related conditions. Advanced modeling of protein sequence and biophysical properties (such as structural, functional, and spatial information, amino acid conservation, physicochemical variation, residue mobility, and thermodynamic stability) performed at Invitae indicates that this missense variant is not expected to disrupt ACAN protein function with a negative predictive value of 80%. In summary, the available evidence is currently insufficient to determine the role of this variant in disease. Therefore, it has been classified as a Variant of Uncertain Significance.